The following is an entry in ClinVar:

ClinVar aggregate classification (somatic clinical impact): Tier I - Strong (1 of 4 stars; one submission).

Conditions:
Medulloblastoma non-WNT/non-SHH group 3. Identifiers: MedGen C4330665, MONDO:0956966.

Submission:

Institute for Genomic Medicine (IGM) Clinical Laboratory, Nationwide Children's Hospital
Classification: Tier I - Strong for Medulloblastoma non-WNT/non-SHH group 3. Assertion type: diagnostic. Clinical significance: supports diagnosis. Last evaluated: 2025-03-13. Review status: criteria provided, single submitter. Criteria: AMP/ASCO/CAP Guidelines, 2017. Collection method: clinical testing. Allele origin: somatic. Affected: yes.
Comment: Variant has Tier I (strong) clinical significance as a diagnostic inclusion criterion in medulloblastoma non-WNT/non-SHH group 3, based on the following evidence: 1) Documented in one or more cancer databases (e.g., St. Jude Pecan, COSMIC, CIViC, OncoKB). 2) Appears in one or more well-established professional guidelines (e.g., World Health Organization [WHO]; National Comprehensive Cancer Network [NCCN]) as providing diagnostic, prognostic, or therapeutic information. 3) Diagnostic for a specific tumor type/classification based on well-powered studies with expert-level consensus (Evidence Level B; PMIDs: 21163964, 28726821, 22820256, 22832583, 22722829, 23432644).

Literature cited by the submitters: PubMed 21163964; PubMed 28726821; PubMed 22820256; PubMed 22832583; PubMed 22722829; PubMed 23432644.

NM_003072.5(SMARCA4):c.3692C>T (p.Ala1231Val)

Gene: SMARCA4 (SWI/SNF related BAF chromatin remodeling complex subunit ATPase 4; plus strand). Cytogenetic location: 19p13.2.
Variant type: single nucleotide variant.
Coding change: c.3692C>T on transcript NM_003072.5 (MANE Select); coding-DNA position 3692, C replaced by T.
Protein change: p.Ala1231Val; replaces alanine 1231 with valine.
Molecular consequence: missense variant. On other transcripts: non-coding transcript variant (1).
Genome position (GRCh38, 1-based): chr19:11,033,435, C>T. VCF-style: chr19-11033435-C-T. GRCh37 (hg19) VCF-style: chr19-11144111-C-T.
Other names: c.3692C>T, p.Ala1231Val (NM_001128844.3, NM_001128845.2, NM_001128846.2 and 6 more transcripts); short protein forms A1231V.
Identifiers: ClinVar variation 4530278 (VCV004530278.1).
Genomic context (GRCh38, chr19:11,033,435, plus strand): 5'-AGGAGAAGATCCTAGCTGCAGCCAAGTACAAGCTCAACGTGGACCAGAAGGTGATCCAGG[C>T]CGGCATGTTCGACCAGAAGTCCTCCAGCCATGAGCGGCGCGCCTTCCTGCAGGCCATCCT-3'
Protein context (NP_003063.2, residues 1221-1241): KLNVDQKVIQ[Ala1231Val]GMFDQKSSSH